The following is an entry in ClinVar:

NM_020806.5(GPHN):c.2122C>A (p.Arg708=)

Gene: GPHN (gephyrin; plus strand). Cytogenetic location: 14q23.3.
Variant type: single nucleotide variant.
Coding change: c.2122C>A on transcript NM_020806.5 (MANE Select); coding-DNA position 2122, C replaced by A.
Protein change: p.Arg708=; no amino-acid change (arginine 708 retained).
Molecular consequence: synonymous variant.
Genome position (GRCh38, 1-based): chr14:67,179,620, C>A. VCF-style: chr14-67179620-C-A. GRCh37 (hg19) VCF-style: chr14-67646337-C-A.
Other names: c.2023C>A, p.Arg675= (NM_001024218.2); c.2182C>A, p.Arg728= (NM_001377514.1); c.2152C>A, p.Arg718= (NM_001377515.1); c.2143C>A, p.Arg715= (NM_001377516.1); c.2095C>A, p.Arg699= (NM_001377517.1); c.2080C>A, p.Arg694= (NM_001377518.1); c.2062C>A, p.Arg688= (NM_001377519.1).
Identifiers: ClinVar variation 4721318 (VCV004721318.1).

ClinVar aggregate classification (germline): Uncertain significance (1 of 4 stars; one submission).

Conditions:
Sulfite oxidase deficiency due to molybdenum cofactor deficiency type C. Also called: Molybdenum cofactor deficiency, complementation group C; Molybdenum cofactor deficiency C. Identifiers: Orphanet 308400, Orphanet 833, MedGen C1854990, MONDO:0014212, OMIM 615501.

Submission:

Labcorp Genetics (formerly Invitae), Labcorp
Classification: Uncertain significance for Sulfite oxidase deficiency due to molybdenum cofactor deficiency type C. Last evaluated: 2025-06-23. Review status: criteria provided, single submitter. Criteria: Invitae Variant Classification Sherloc (09022015). Collection method: clinical testing. Allele origin: germline.
Comment: This sequence change affects codon 708 of the GPHN mRNA. It is a 'silent' change, meaning that it does not change the encoded amino acid sequence of the GPHN protein. This variant is not present in population databases (gnomAD no frequency). This variant has not been reported in the literature in individuals affected with GPHN-related conditions. Algorithms developed to predict the effect of sequence changes on RNA splicing suggest that this variant may disrupt the consensus splice site. In summary, the available evidence is currently insufficient to determine the role of this variant in disease. Therefore, it has been classified as a Variant of Uncertain Significance.